The following is an entry in ClinVar:

NM_000824.5(GLRB):c.1385C>G (p.Ala462Gly)

Gene: GLRB (glycine receptor beta; plus strand). Cytogenetic location: 4q32.1.
Variant type: single nucleotide variant.
Coding change: c.1385C>G on transcript NM_000824.5 (MANE Select); coding-DNA position 1385, C replaced by G.
Protein change: p.Ala462Gly; replaces alanine 462 with glycine.
Molecular consequence: missense variant. On other transcripts: 3 prime UTR variant (1).
Genome position (GRCh38, 1-based): chr4:157,170,619, C>G. VCF-style: chr4-157170619-C-G. GRCh37 (hg19) VCF-style: chr4-158091771-C-G.
Other names: c.1385C>G, p.Ala462Gly (NM_001166060.2); c.*180C>G (NM_001166061.2); short protein forms A462G.
Identifiers: ClinVar variation 901284 (VCV000901284.11), dbSNP rs148031091, ClinGen allele CA3120011.

ClinVar aggregate classification (germline): Benign. Review status: criteria provided, multiple submitters, no conflicts (2 of 4 stars). 2 submissions from 2 submitters: Benign (2). Last evaluated 2025-10-20.

Conditions:
Hyperekplexia 2 (HKPX2). Identifiers: Orphanet 3197, MedGen C3553291, MONDO:0013828, OMIM 614619.

Allele frequency attached by ClinVar (database versions not stated): TOPMed 0.00018; 1000 Genomes Project 30x 0.00062; 1000 Genomes Project 0.00080.

Submissions (2):

Labcorp Genetics (formerly Invitae), Labcorp
Classification: Benign for Hyperekplexia 2. Last evaluated: 2025-10-20. Review status: criteria provided, single submitter. Criteria: Invitae Variant Classification Sherloc (09022015). Collection method: clinical testing. Allele origin: germline.

Illumina Laboratory Services, Illumina
Classification: Benign for Hyperekplexia 2. Last evaluated: 2018-01-13. Review status: criteria provided, single submitter. Criteria: ICSL Variant Classification Criteria 13 December 2019. Collection method: clinical testing. Allele origin: germline.
Comment: This variant was observed in the ICSL laboratory as part of a predisposition screen in an ostensibly healthy population. It had not been previously curated by ICSL or reported in the Human Gene Mutation Database (HGMD: prior to June 1st, 2018), and was therefore a candidate for classification through an automated scoring system. Utilizing variant allele frequency, disease prevalence and penetrance estimates, and inheritance mode, an automated score was calculated to assess if this variant is too frequent to cause the disease. Based on the score and internal cut-off values, a variant classified as benign is not then subjected to further curation. The score for this variant resulted in a classification of benign for this disease.